The following is an entry in ClinVar:

NM_001080449.3(DNA2):c.1983C>T (p.Leu661=)

Gene: DNA2 (DNA replication helicase/nuclease 2; minus strand). Cytogenetic location: 10q21.3.
Variant type: single nucleotide variant.
Coding change: c.1983C>T on transcript NM_001080449.3 (MANE Select); coding-DNA position 1983, C replaced by T.
Protein change: p.Leu661=; no amino-acid change (leucine 661 retained).
Molecular consequence: synonymous variant. On other transcripts: non-coding transcript variant (1).
Genome position (GRCh38, 1-based): chr10:68,431,862, G>A on the plus strand (C>T on the coding strand, the complement: DNA2 is on the minus strand). VCF-style: chr10-68431862-G-A. GRCh37 (hg19) VCF-style: chr10-70191619-G-A.
Identifiers: ClinVar variation 2155122 (VCV002155122.4), dbSNP rs559735066, ClinGen allele CA5524929.

ClinVar aggregate classification (germline): Uncertain significance (1 of 4 stars; one submission).

Allele frequency attached by ClinVar (database versions not stated): gnomAD exomes 0.00001; TOPMed 0.00002; ExAC 0.00003; gnomAD 0.00003; 1000 Genomes Project 30x 0.00016; 1000 Genomes Project 0.00020.
gnomAD v4.1: 19 of 1,598,520 alleles (0.0012%); highest among the groups gnomAD compares: African/African-American, 0.0054%; no homozygotes.

Submission:

Labcorp Genetics (formerly Invitae), Labcorp
Classification: Uncertain significance. Last evaluated: 2025-06-08. Review status: criteria provided, single submitter. Criteria: Invitae Variant Classification Sherloc (09022015). Collection method: clinical testing. Allele origin: germline.
Comment: This sequence change affects codon 661 of the DNA2 mRNA. It is a 'silent' change, meaning that it does not change the encoded amino acid sequence of the DNA2 protein. It affects a nucleotide within the consensus splice site. This variant is present in population databases (rs559735066, gnomAD 0.02%). This variant has not been reported in the literature in individuals affected with DNA2-related conditions. ClinVar contains an entry for this variant (Variation ID: 2155122). Algorithms developed to predict the effect of sequence changes on RNA splicing suggest that this variant is not likely to affect RNA splicing. In summary, the available evidence is currently insufficient to determine the role of this variant in disease. Therefore, it has been classified as a Variant of Uncertain Significance.